The following is an entry in ClinVar:

NM_015378.4(VPS13D):c.1073A>T (p.Asn358Ile)

Gene: VPS13D (vacuolar protein sorting 13 homolog D; plus strand). Cytogenetic location: 1p36.22.
Variant type: single nucleotide variant.
Coding change: c.1073A>T on transcript NM_015378.4 (MANE Select); coding-DNA position 1073, A replaced by T.
Protein change: p.Asn358Ile; replaces asparagine 358 with isoleucine.
Molecular consequence: missense variant.
Genome position (GRCh38, 1-based): chr1:12,258,066, A>T. VCF-style: chr1-12258066-A-T. GRCh37 (hg19) VCF-style: chr1-12318123-A-T.
Other names: c.1073A>T, p.Asn358Ile (NM_018156.4); short protein forms N358I.
Identifiers: ClinVar variation 1970057 (VCV001970057.3), dbSNP rs530482372, ClinGen allele CA601412.

ClinVar aggregate classification (germline): Uncertain significance (1 of 4 stars; one submission).

Allele frequency attached by ClinVar (database versions not stated): ExAC 0.00002; TOPMed 0.00002.
gnomAD v4.1: 18 of 1,614,112 alleles (0.0011%); highest among the groups gnomAD compares: African/African-American, 0.016%; no homozygotes.

Submission:

Labcorp Genetics (formerly Invitae), Labcorp
Classification: Uncertain significance. Last evaluated: 2022-10-03. Review status: criteria provided, single submitter. Criteria: Invitae Variant Classification Sherloc (09022015). Collection method: clinical testing. Allele origin: germline.
Comment: In summary, the available evidence is currently insufficient to determine the role of this variant in disease. Therefore, it has been classified as a Variant of Uncertain Significance. Advanced modeling of protein sequence and biophysical properties (such as structural, functional, and spatial information, amino acid conservation, physicochemical variation, residue mobility, and thermodynamic stability) performed at Invitae indicates that this missense variant is not expected to disrupt VPS13D protein function. This variant has not been reported in the literature in individuals affected with VPS13D-related conditions. This variant is present in population databases (rs530482372, gnomAD 0.02%). This sequence change replaces asparagine, which is neutral and polar, with isoleucine, which is neutral and non-polar, at codon 358 of the VPS13D protein (p.Asn358Ile).